The following is an entry in ClinVar:

NM_006270.5(RRAS):c.344+6_344+7del

Gene: RRAS (RAS related; minus strand). Cytogenetic location: 19q13.33.
Variant type: Deletion.
Coding change: c.344+6_344+7del on transcript NM_006270.5 (MANE Select); bases 6 to 7 of the intron after coding-DNA position 344, 2 bases deleted (AG; older notation c.344+6_344+7delAG).
Molecular consequence: intron variant.
Genome position (GRCh38, 1-based): chr19:49,636,817-49,636,818, CT deleted on the plus strand (AG on the coding strand, the reverse complement: RRAS is on the minus strand). VCF-style (leftmost placement, unchanged base first): chr19-49636816-CCT-C. GRCh37 (hg19) VCF-style: chr19-50140073-CCT-C.
Other names: c.344+6_344+7delAG (NM_006270.4).
Identifiers: ClinVar variation 971530 (VCV000971530.12), dbSNP rs755223611, ClinGen allele CA9579065.
Genomic context (GRCh38, chr19:49,636,816, plus strand): 5'-CAGCCAGCTGCAGAGCCCAGGTCCTCCCCACACCCACCCACTGCTCCGCCACCAGCAACC[CCT>C]GTCACCTCTGCCGGTCGTTAATGGCGAACACCAGCAGGAAGCCGTGGCCAGCACGCATGT-3'

ClinVar aggregate classification (germline): Conflicting classifications of pathogenicity. Review status: criteria provided, conflicting classifications (1 of 4 stars). 3 submissions from 3 submitters: Uncertain significance (1); Benign (1); Likely benign (1). Last evaluated 2026-01-26.

Conditions:
Noonan syndrome (NS). Also called: Noonan's syndrome. Identifiers: Orphanet 648, MedGen C0028326, MeSH D009634, MONDO:0018997. Disease mechanism: gain of function.

Allele frequency attached by ClinVar (database versions not stated): ExAC 0.00004; gnomAD exomes 0.00008 and 0.00012; gnomAD 0.00013 and 0.00014; TOPMed 0.00017.

Submissions (3):

Labcorp Genetics (formerly Invitae), Labcorp
Classification: Uncertain significance for Noonan syndrome. Last evaluated: 2026-01-26. Review status: criteria provided, single submitter. Criteria: Invitae Variant Classification Sherloc (09022015). Collection method: clinical testing. Allele origin: germline.
Comment: This sequence change falls in intron 3 of the RRAS gene. It does not directly change the encoded amino acid sequence of the RRAS protein. It affects a nucleotide within the consensus splice site. This variant is present in population databases (rs755223611, gnomAD 0.01%). This variant has not been reported in the literature in individuals affected with RRAS-related conditions. ClinVar contains an entry for this variant (Variation ID: 971530). Variants that disrupt the consensus splice site are a relatively common cause of aberrant splicing (PMID: 17576681, 9536098). Algorithms developed to predict the effect of sequence changes on RNA splicing suggest that this variant is not likely to affect RNA splicing. In summary, the available evidence is currently insufficient to determine the role of this variant in disease. Therefore, it has been classified as a Variant of Uncertain Significance.

Laboratory of Genetics, Children's Clinical University Hospital Latvia
Classification: Likely benign. Last evaluated: 2025-02-16. Review status: criteria provided, single submitter. Criteria: ACMG Guidelines, 2015. Collection method: clinical testing. Allele origin: germline. Affected: yes.

Women's Health and Genetics/Laboratory Corporation of America, LabCorp
Classification: Benign. Last evaluated: 2022-02-26. Review status: criteria provided, single submitter. Criteria: LabCorp Variant Classification Summary - May 2015. Collection method: clinical testing. Allele origin: germline.

Literature cited by the submitters: PubMed 17576681 (cited by Labcorp Genetics (formerly Invitae), Labcorp); PubMed 9536098 (cited by Labcorp Genetics (formerly Invitae), Labcorp).